The following is an entry in ClinVar:

NM_173651.4(FSIP2):c.12713G>A (p.Arg4238Gln)

Gene: FSIP2 (fibrous sheath interacting protein 2; plus strand). Cytogenetic location: 2q32.1.
Variant type: single nucleotide variant.
Coding change: c.12713G>A on transcript NM_173651.4 (MANE Select); coding-DNA position 12713, G replaced by A.
Protein change: p.Arg4238Gln; replaces arginine 4238 with glutamine.
Molecular consequence: missense variant.
Genome position (GRCh38, 1-based): chr2:185,802,019, G>A. VCF-style: chr2-185802019-G-A. GRCh37 (hg19) VCF-style: chr2-186666746-G-A.
Other names: short protein forms R4238Q.
Identifiers: ClinVar variation 3771063 (VCV003771063.13).
Genomic context (GRCh38, chr2:185,802,019, plus strand): 5'-ATTGTAATATTTTGCAAATGTCTGACTCTCTTGTTTCAATACAAAAAAGTATAGTAAGCC[G>A]AAGCCCAATTATGATTGACCAAATAGCCAGCTTTATCATCCAAGAGATTATCGAAAATCA-3'
Protein context (NP_775922.3, residues 4228-4248): LVSIQKSIVS[Arg4238Gln]SPIMIDQIAS

ClinVar aggregate classification (germline): Likely benign (1 of 4 stars; one submission).

gnomAD v4.1: 217 of 1,528,796 alleles (0.014%); highest among the groups gnomAD compares: Admixed American, 0.08%; 1 homozygote.

Submission:

CeGaT Center for Human Genetics Tuebingen
Classification: Likely benign. Last evaluated: 2025-01-01. Review status: criteria provided, single submitter. Criteria: CeGaT Center For Human Genetics Tuebingen Variant Classification Criteria Version 2. Collection method: clinical testing. Allele origin: germline. Affected: yes. Observed: 1 variant allele.
Comment: FSIP2: BP4